The following is an entry in ClinVar:

ClinVar aggregate classification (germline): Pathogenic (1 of 4 stars; one submission).

Submission:

Labcorp Genetics (formerly Invitae), Labcorp
Classification: Pathogenic. Last evaluated: 2025-10-13. Review status: criteria provided, single submitter. Criteria: Invitae Variant Classification Sherloc (09022015). Collection method: clinical testing. Allele origin: germline.
Comment: This sequence change creates a premature translational stop signal (p.Thr401Metfs*44) in the POLH gene. While this is not anticipated to result in nonsense mediated decay, it is expected to disrupt the last 313 amino acid(s) of the POLH protein. This variant is not present in population databases (gnomAD no frequency). This variant has not been reported in the literature in individuals affected with POLH-related conditions. This variant disrupts a region of the POLH protein in which other variant(s) (p.Asn555Thrfs*30) have been determined to be pathogenic (PMID: 17344931, 18368133, 24130121, 35328096). This suggests that this is a clinically significant region of the protein, and that variants that disrupt it are likely to be disease-causing. For these reasons, this variant has been classified as Pathogenic.

Literature cited by the submitters: PubMed 17344931; PubMed 18368133; PubMed 24130121; PubMed 35328096.

NM_006502.3(POLH):c.1202del (p.Thr401fs)

Gene: POLH (DNA polymerase eta; plus strand). Cytogenetic location: 6p21.1.
Variant type: Deletion.
Coding change: c.1202del on transcript NM_006502.3 (MANE Select); coding-DNA position 1202, one base deleted (C; older notation c.1202delC).
Protein change: p.Thr401fs; shifts the reading frame from threonine 401.
Molecular consequence: frameshift variant.
Genome position (GRCh38, 1-based): chr6:43,610,681, C deleted. VCF-style (leftmost placement, unchanged base first): chr6-43610680-AC-A. GRCh37 (hg19) VCF-style: chr6-43578417-AC-A.
Other names: c.830del, p.Thr277fs (NM_001291969.2); c.1202del, p.Thr401fs (NM_001291970.2); short protein forms T277fs, T401fs.
Identifiers: ClinVar variation 4729124 (VCV004729124.1).